The following is an entry in ClinVar:

NM_000256.3(MYBPC3):c.3234G>A (p.Trp1078Ter)

Gene: MYBPC3 (myosin binding protein C3; minus strand). Cytogenetic location: 11p11.2.
Variant type: single nucleotide variant.
Coding change: c.3234G>A on transcript NM_000256.3 (MANE Select); coding-DNA position 3234, G replaced by A.
Protein change: p.Trp1078Ter; replaces tryptophan 1078 with a stop codon.
Molecular consequence: nonsense.
Genome position (GRCh38, 1-based): chr11:47,333,290, C>T on the plus strand (G>A on the coding strand, the complement: MYBPC3 is on the minus strand). VCF-style: chr11-47333290-C-T. GRCh37 (hg19) VCF-style: chr11-47354841-C-T.
Other names: short protein forms W1078*.
Identifiers: ClinVar variation 1700491 (VCV001700491.10), dbSNP rs866966651, ClinGen allele CA380314388.
Genomic context (GRCh38, chr11:47,333,290, plus strand): 5'-CCAGAGCTCCGTGTTGCCGACATCCTGGGGTGGCTTCCACTCCAGAGCCACATTAAGACC[C>T]CAGGCGTCAGTCACCCGGAGATCCTGGGGAGGACTTGGCTTGTCTGCGGGAGACAGACCC-3'

ClinVar aggregate classification (germline): Pathogenic/Likely pathogenic. Review status: criteria provided, multiple submitters, no conflicts (2 of 4 stars). 5 submissions from 5 submitters: Pathogenic (2); Likely pathogenic (3). Last evaluated 2025-08-10.

Conditions:
Cardiovascular phenotype. Identifiers: MedGen CN230736.
Cardiomyopathy (CMYO). Also called: Cardiomyopathies. Identifiers: Orphanet 167848, MedGen C0878544, MONDO:0004994, HP:0001638. Inheritance: Various modes of inheritance.
MYBPC3-related disorder. Also called: MYBPC3-related condition; MYBPC3-related disease; MYBPC3-related disorders.
Hypertrophic cardiomyopathy. Also called: HYPERTROPHIC MYOCARDIOPATHY. Identifiers: Orphanet 217569, MedGen C0007194, MeSH D002312, MONDO:0005045, HP:0001639.

Submissions (5):

Labcorp Genetics (formerly Invitae), Labcorp
Classification: Pathogenic for Hypertrophic cardiomyopathy. Last evaluated: 2025-08-10. Review status: criteria provided, single submitter. Criteria: Invitae Variant Classification Sherloc (09022015). Collection method: clinical testing. Allele origin: germline.
Comment: This sequence change creates a premature translational stop signal (p.Trp1078*) in the MYBPC3 gene. It is expected to result in an absent or disrupted protein product. Loss-of-function variants in MYBPC3 are known to be pathogenic (PMID: 19574547). This variant is not present in population databases (gnomAD no frequency). This premature translational stop signal has been observed in individual(s) with clinical features of MYBPC3-related conditions (PMID: 25740977). ClinVar contains an entry for this variant (Variation ID: 1700491). For these reasons, this variant has been classified as Pathogenic.

Ambry Genetics
Classification: Pathogenic for Cardiovascular phenotype. Last evaluated: 2024-04-15. Review status: criteria provided, single submitter. Criteria: Ambry Variant Classification Scheme 2023. Collection method: clinical testing. Allele origin: germline.
Comment: The p.W1078* pathogenic mutation (also known as c.3234G>A), located in coding exon 30 of the MYBPC3 gene, results from a G to A substitution at nucleotide position 3234. This changes the amino acid from a tryptophan to a stop codon within coding exon 30. This alteration has been reported in individuals with hypertrophic cardiomyopathy (HCM) (Millat G et al. Clin Chim Acta, 2010 Dec;411:1983-91; Helms AS et al. Circ Cardiovasc Genet, 2014 Aug;7:434-43; Alfares AA et al. Genet Med, 2015 Nov;17:880-8; Calore C et al. J Med Genet, 2015 May;52:338-47; Alejandra Restrepo-Cordoba M et al. J Cardiovasc Transl Res, 2017 Feb;10:35-46; Harper AR et al. Nat Genet, 2021 Feb;53:135-142). This variant is considered to be rare based on population cohorts in the Genome Aggregation Database (gnomAD). This alteration is expected to result in loss of function by premature protein truncation or nonsense-mediated mRNA decay. As such, this alteration is interpreted as a disease-causing mutation.

Women's Health and Genetics/Laboratory Corporation of America, LabCorp
Classification: Likely pathogenic for Cardiomyopathy. Last evaluated: 2022-12-27. Review status: criteria provided, single submitter. Criteria: LabCorp Variant Classification Summary - May 2015. Collection method: clinical testing. Allele origin: germline.
Comment: Variant summary: MYBPC3 c.3234G>A (p.Trp1078X) results in a premature termination codon, predicted to cause a truncation of the encoded protein or absence of the protein due to nonsense mediated decay, which are commonly known mechanisms for disease. Truncations downstream of this position have been classified as pathogenic by our laboratory. The variant was absent in 210186 control chromosomes. c.3234G>A has been reported in the literature in individuals affected with Cardiomyopathy (Restrepo-Cordoba_2017, Calore_2015, Biagini_2014, Mademont-Soler_2017). These data indicate that the variant is likely to be associated with disease. To our knowledge, no experimental evidence demonstrating an impact on protein function has been reported. One submitter has provided a clinical-significance assessment for this variant in ClinVar after 2014, and classified the variant as likely pathogenic. Based on the evidence outlined above, the variant was classified as likely pathogenic.

GeneDx
Classification: Likely pathogenic. Last evaluated: 2022-02-03. Review status: criteria provided, single submitter. Criteria: GeneDx Variant Classification Process June 2021. Collection method: clinical testing. Allele origin: germline. Affected: yes.
Comment: Reported in association with hypertrophic cardiomyopathy (Millat et al., 2010; Calore et al., 2015); Not observed at significant frequency in large population cohorts (gnomAD); Nonsense variant predicted to result in protein truncation or nonsense mediated decay in a gene for which loss-of-function is a known mechanism of disease; This variant is associated with the following publications: (PMID: 25740977, 20800588)

Blueprint Genetics
Classification: Likely pathogenic for MYBPC3-related disorders. Last evaluated: 2020-07-14. Review status: criteria provided, single submitter. Criteria: ACMG Guidelines, 2015. Collection method: clinical testing. Allele origin: germline. Affected: yes. Observed: 2 variant alleles.

Literature cited by the submitters: PubMed 19574547 (cited by Labcorp Genetics (formerly Invitae), Labcorp); PubMed 25740977 (cited by 3 submitters); PubMed 20800588 (cited by Ambry Genetics and Women's Health and Genetics/Laboratory Corporation of America, LabCorp); PubMed 25031304 (cited by Ambry Genetics); PubMed 25611685 (cited by Ambry Genetics); PubMed 28138913 (cited by Ambry Genetics and Women's Health and Genetics/Laboratory Corporation of America, LabCorp); PubMed 33495597 (cited by Ambry Genetics); PubMed 25037680 (cited by Women's Health and Genetics/Laboratory Corporation of America, LabCorp); PubMed 28771489 (cited by Women's Health and Genetics/Laboratory Corporation of America, LabCorp).